The following is an entry in ClinVar:

ClinVar aggregate classification (germline): Uncertain significance (1 of 4 stars; one submission).

Allele frequency attached by ClinVar (database versions not stated): gnomAD exomes below 0.00001; TOPMed below 0.00001; gnomAD 0.00001.
gnomAD v4.1: 3 of 1,613,026 alleles (0.00019%); highest among the groups gnomAD compares: African/African-American, 0.0027%; no homozygotes.

Submission:

Labcorp Genetics (formerly Invitae), Labcorp
Classification: Uncertain significance. Last evaluated: 2022-08-16. Review status: criteria provided, single submitter. Criteria: Invitae Variant Classification Sherloc (09022015). Collection method: clinical testing. Allele origin: germline.
Comment: ClinVar contains an entry for this variant (Variation ID: 1423510). In summary, the available evidence is currently insufficient to determine the role of this variant in disease. Therefore, it has been classified as a Variant of Uncertain Significance. Algorithms developed to predict the effect of missense changes on protein structure and function are either unavailable or do not agree on the potential impact of this missense change (SIFT: "Deleterious"; PolyPhen-2: "Benign"; Align-GVGD: "Class C65"). This variant has not been reported in the literature in individuals affected with NBAS-related conditions. This variant is present in population databases (no rsID available, gnomAD 0.007%). This sequence change replaces proline, which is neutral and non-polar, with leucine, which is neutral and non-polar, at codon 4 of the NBAS protein (p.Pro4Leu).

NM_015909.4(NBAS):c.11C>T (p.Pro4Leu)

Genes: NBAS (NBAS subunit of NRZ tethering complex; minus strand), LOC129933155 (ATAC-STARR-seq lymphoblastoid active region 15346; plus strand). Cytogenetic location: 2p24.3.
Variant type: single nucleotide variant.
Coding change: c.11C>T on transcript NM_015909.4 (MANE Select); coding-DNA position 11, C replaced by T.
Protein change: p.Pro4Leu; replaces proline 4 with leucine.
Molecular consequence: missense variant. On other transcripts: non-coding transcript variant (1).
Genome position (GRCh38, 1-based): chr2:15,561,294, G>A on the plus strand (C>T on the coding strand, the complement: NBAS is on the minus strand). VCF-style: chr2-15561294-G-A. GRCh37 (hg19) VCF-style: chr2-15701418-G-A.
Other names: short protein forms P4L.
Identifiers: ClinVar variation 1423510 (VCV001423510.6), dbSNP rs1382038955, ClinGen allele CA345895262.